The following is an entry in ClinVar:

NM_152594.3(SPRED1):c.833C>G (p.Ser278Cys)

Gene: SPRED1 (sprouty related EVH1 domain containing 1; plus strand). Cytogenetic location: 15q14.
Variant type: single nucleotide variant.
Coding change: c.833C>G on transcript NM_152594.3 (MANE Select); coding-DNA position 833, C replaced by G.
Protein change: p.Ser278Cys; replaces serine 278 with cysteine.
Molecular consequence: missense variant.
Genome position (GRCh38, 1-based): chr15:38,351,162, C>G. VCF-style: chr15-38351162-C-G. GRCh37 (hg19) VCF-style: chr15-38643363-C-G.
Other names: short protein forms S278C.
Identifiers: ClinVar variation 3800895 (VCV003800895.1).

ClinVar aggregate classification (germline): Uncertain significance (1 of 4 stars; one submission).

Conditions:
Cardiovascular phenotype. Identifiers: MedGen CN230736.

Submission:

Ambry Genetics
Classification: Uncertain significance for Cardiovascular phenotype. Last evaluated: 2024-12-26. Review status: criteria provided, single submitter. Criteria: Ambry Variant Classification Scheme 2023. Collection method: clinical testing. Allele origin: germline.
Comment: The p.S278C variant (also known as c.833C>G), located in coding exon 7 of the SPRED1 gene, results from a C to G substitution at nucleotide position 833. The serine at codon 278 is replaced by cysteine, an amino acid with dissimilar properties. This amino acid position is conserved. In addition, this alteration is predicted to be tolerated by in silico analysis. Based on the available evidence, the clinical significance of this variant remains unclear.